The following is an entry in ClinVar:

ClinVar aggregate classification (germline): Uncertain significance (1 of 4 stars; one submission).

Submission:

Labcorp Genetics (formerly Invitae), Labcorp
Classification: Uncertain significance. Last evaluated: 2023-12-17. Review status: criteria provided, single submitter. Criteria: Invitae Variant Classification Sherloc (09022015). Collection method: clinical testing. Allele origin: germline.
Comment: This sequence change replaces leucine, which is neutral and non-polar, with valine, which is neutral and non-polar, at codon 1192 of the ALPK1 protein (p.Leu1192Val). This variant is not present in population databases (gnomAD no frequency). This variant has not been reported in the literature in individuals affected with ALPK1-related conditions. This missense change has been observed in at least one individual who was not affected with ALPK1-related conditions (Invitae). An algorithm developed to predict the effect of missense changes on protein structure and function (PolyPhen-2) suggests that this variant is likely to be disruptive. In summary, the available evidence is currently insufficient to determine the role of this variant in disease. Therefore, it has been classified as a Variant of Uncertain Significance.

NM_025144.4(ALPK1):c.3574C>G (p.Leu1192Val)

Gene: ALPK1 (alpha kinase 1; plus strand). Cytogenetic location: 4q25.
Variant type: single nucleotide variant.
Coding change: c.3574C>G on transcript NM_025144.4 (MANE Select); coding-DNA position 3574, C replaced by G.
Protein change: p.Leu1192Val; replaces leucine 1192 with valine.
Molecular consequence: missense variant.
Genome position (GRCh38, 1-based): chr4:112,440,952, C>G. VCF-style: chr4-112440952-C-G. GRCh37 (hg19) VCF-style: chr4-113362108-C-G.
Other names: c.3574C>G, p.Leu1192Val (NM_001102406.2); c.3340C>G, p.Leu1114Val (NM_001253884.2); short protein forms L1192V, L1114V.
Identifiers: ClinVar variation 2779182 (VCV002779182.3), dbSNP rs1735014099, ClinGen allele CA357911912.